The following is an entry in ClinVar:

ClinVar aggregate classification (germline): Pathogenic (1 of 4 stars; one submission).

Conditions:
Familial intrahepatic cholestasis. Identifiers: Orphanet 284385, MedGen CN296401, MONDO:0017290.

Submission:

Genomenon, Inc
Classification: Pathogenic for Familial intrahepatic cholestasis. Last evaluated: 2026-04-14. Review status: criteria provided, single submitter. Criteria: Genomenon Sequence Variant Interpretation Standards - Updated. Collection method: curation. Allele origin: germline. Affected: yes.
Comment: ABCB11 p.Gln1058Ter (c.3172C>T) is a nonsense variant that introduces a premature stop codon at amino acid position 1058, creating a truncated protein that is predicted to undergo nonsense-mediated mRNA decay. This variant has been observed in at least one proband with an ABCB11-related disorder (PMID:19845854). It is absent or not present at a significant frequency in gnomAD. In conclusion, we classify ABCB11 p.Gln1058Ter (c.3172C>T) as a pathogenic variant.

Literature cited by the submitters: PubMed 19845854.

NM_003742.4(ABCB11):c.3172C>T (p.Gln1058Ter)

Gene: ABCB11 (ATP binding cassette subfamily B member 11; minus strand). Cytogenetic location: 2q31.1.
Variant type: single nucleotide variant.
Coding change: c.3172C>T on transcript NM_003742.4 (MANE Select); coding-DNA position 3172, C replaced by T.
Protein change: p.Gln1058Ter; replaces glutamine 1058 with a stop codon.
Molecular consequence: nonsense.
Genome position (GRCh38, 1-based): chr2:168,932,418, G>A on the plus strand (C>T on the coding strand, the complement: ABCB11 is on the minus strand). VCF-style: chr2-168932418-G-A. GRCh37 (hg19) VCF-style: chr2-169788928-G-A.
Other names: short protein forms Q1058*.
Identifiers: ClinVar variation 4846120 (VCV004846120.1).